The following is an entry in ClinVar:

NM_006662.3(SRCAP):c.5338C>G (p.Leu1780Val)

Gene: SRCAP (Snf2 related CREBBP activator protein; plus strand). Cytogenetic location: 16p11.2.
Variant type: single nucleotide variant.
Coding change: c.5338C>G on transcript NM_006662.3 (MANE Select); coding-DNA position 5338, C replaced by G.
Protein change: p.Leu1780Val; replaces leucine 1780 with valine.
Molecular consequence: missense variant.
Genome position (GRCh38, 1-based): chr16:30,724,762, C>G. VCF-style: chr16-30724762-C-G. GRCh37 (hg19) VCF-style: chr16-30736083-C-G.
Other names: short protein forms L1780V.
Identifiers: ClinVar variation 1349228 (VCV001349228.7), dbSNP rs781414237, ClinGen allele CA280513766.
Genomic context (GRCh38, chr16:30,724,762, plus strand): 5'-GTGGGCCCAGCCCCAGCTCACACGCTGACTTTGGCTCCAGCATCGTCATCTGCTTCACTC[C>G]TGGCCCCAGCTTCAGTGCAGACACTGACCTTGAGCCCTGCCCCAGTTCCTACCCTGGGCC-3'
Protein context (NP_006653.2, residues 1770-1790): LAPASSSASL[Leu1780Val]APASVQTLTL

ClinVar aggregate classification (germline): Conflicting classifications of pathogenicity. Review status: criteria provided, conflicting classifications (1 of 4 stars). 2 submissions from 2 submitters: Uncertain significance (1); Likely benign (1). Last evaluated 2025-02-16.

Allele frequency attached by ClinVar (database versions not stated): gnomAD exomes below 0.00001; gnomAD 0.00001.
gnomAD v4.1: 22 of 1,613,714 alleles (0.0014%); highest among the groups gnomAD compares: Non-Finnish European, 0.0019%; no homozygotes.

Submissions (2):

Laboratory of Genetics, Children's Clinical University Hospital Latvia
Classification: Likely benign. Last evaluated: 2025-02-16. Review status: criteria provided, single submitter. Criteria: ACMG Guidelines, 2015. Collection method: clinical testing. Allele origin: germline. Affected: yes.

Labcorp Genetics (formerly Invitae), Labcorp
Classification: Uncertain significance. Last evaluated: 2023-01-12. Review status: criteria provided, single submitter. Criteria: Invitae Variant Classification Sherloc (09022015). Collection method: clinical testing. Allele origin: germline.
Comment: This sequence change replaces leucine, which is neutral and non-polar, with valine, which is neutral and non-polar, at codon 1780 of the SRCAP protein (p.Leu1780Val). This variant is present in population databases (rs781414237, gnomAD 0.002%). This variant has not been reported in the literature in individuals affected with SRCAP-related conditions. ClinVar contains an entry for this variant (Variation ID: 1349228). Advanced modeling of protein sequence and biophysical properties (such as structural, functional, and spatial information, amino acid conservation, physicochemical variation, residue mobility, and thermodynamic stability) performed at Invitae indicates that this missense variant is not expected to disrupt SRCAP protein function. In summary, the available evidence is currently insufficient to determine the role of this variant in disease. Therefore, it has been classified as a Variant of Uncertain Significance.